The following is an entry in ClinVar:

NM_020433.5(JPH2):c.1433C>T (p.Pro478Leu)

Gene: JPH2 (junctophilin 2; minus strand). Cytogenetic location: 20q13.12.
Variant type: single nucleotide variant.
Coding change: c.1433C>T on transcript NM_020433.5 (MANE Select); coding-DNA position 1433, C replaced by T.
Protein change: p.Pro478Leu; replaces proline 478 with leucine.
Molecular consequence: missense variant.
Genome position (GRCh38, 1-based): chr20:44,116,242, G>A on the plus strand (C>T on the coding strand, the complement: JPH2 is on the minus strand). VCF-style: chr20-44116242-G-A. GRCh37 (hg19) VCF-style: chr20-42744882-G-A.
Other names: short protein forms P478L.
Identifiers: ClinVar variation 392762 (VCV000392762.17), dbSNP rs970525996, ClinGen allele CA16607979.
Genomic context (GRCh38, chr20:44,116,242, plus strand): 5'-CTGGGCCGCTTGGGCTGCGGGGGCGTCCCGGCCGGTGACGGGGAGCCACCCTCGGGCCGA[G>A]GGGTCTCACGCTCGTGCAGCTGCGGGCTCTCGCGGGGCGGCTGTGGGAGGCCCGCTGCGC-3'
Protein context (NP_065166.2, residues 468-488): ESPQLHERET[Pro478Leu]RPEGGSPSPA

ClinVar aggregate classification (germline): Conflicting classifications of pathogenicity. Review status: criteria provided, conflicting classifications (1 of 4 stars). 5 submissions from 5 submitters: Uncertain significance (4); Likely benign (1). Last evaluated 2026-06-12.

Conditions:
Hypertrophic cardiomyopathy 17. Identifiers: MedGen C3151264, MONDO:0013474, OMIM 613873.
Cardiomyopathy, dilated, 2E. Identifiers: MedGen C5561970, MONDO:0030366, OMIM 619492.
JPH2-related disorder. Also called: JPH2-related condition.
Cardiovascular phenotype. Identifiers: MedGen CN230736.
Hypertrophic cardiomyopathy. Also called: HYPERTROPHIC MYOCARDIOPATHY. Identifiers: Orphanet 217569, MedGen C0007194, MeSH D002312, MONDO:0005045, HP:0001639.

Allele frequency attached by ClinVar (database versions not stated): gnomAD exomes 0.00001; TOPMed 0.00004; gnomAD 0.00005 and 0.00006.
gnomAD v4.1: 16 of 1,466,446 alleles (0.0011%); highest among the groups gnomAD compares: Middle Eastern, 0.024%; no homozygotes.

Submissions (5):

PreventionGenetics, part of Exact Sciences
Classification: Uncertain significance for JPH2-related condition. Last evaluated: 2026-06-12. Review status: criteria provided, single submitter. Criteria: ACMG Guidelines, 2015. Collection method: clinical testing. Allele origin: germline.
Comment: The JPH2 c.1433C>T variant is predicted to result in the amino acid substitution p.Pro478Leu. To our knowledge, this variant has not been reported in the literature. This variant is reported in 0.012% of alleles in individuals of African descent in gnomAD. At this time, the clinical significance of this variant is uncertain due to the absence of conclusive functional and genetic evidence.

Labcorp Genetics (formerly Invitae), Labcorp
Classification: Uncertain significance for Hypertrophic cardiomyopathy. Last evaluated: 2025-06-25. Review status: criteria provided, single submitter. Criteria: Invitae Variant Classification Sherloc (09022015). Collection method: clinical testing. Allele origin: germline.
Comment: This sequence change replaces proline, which is neutral and non-polar, with leucine, which is neutral and non-polar, at codon 478 of the JPH2 protein (p.Pro478Leu). This variant is present in population databases (no rsID available, gnomAD 0.01%). This variant has not been reported in the literature in individuals affected with JPH2-related conditions. ClinVar contains an entry for this variant (Variation ID: 392762). An algorithm developed to predict the effect of missense changes on protein structure and function outputs the following: PolyPhen-2: "Benign". The leucine amino acid residue is found in multiple mammalian species, which suggests that this missense change does not adversely affect protein function. In summary, the available evidence is currently insufficient to determine the role of this variant in disease. Therefore, it has been classified as a Variant of Uncertain Significance.

Ambry Genetics
Classification: Likely benign for Cardiovascular phenotype. Last evaluated: 2023-12-26. Review status: criteria provided, single submitter. Criteria: Ambry Variant Classification Scheme 2023. Collection method: clinical testing. Allele origin: germline.

Fulgent Genetics
Classification: Uncertain significance for Hypertrophic cardiomyopathy 17; Cardiomyopathy, dilated, 2E. Last evaluated: 2021-09-28. Review status: criteria provided, single submitter. Criteria: ACMG Guidelines, 2015. Collection method: clinical testing. Allele origin: unknown.

GeneDx
Classification: Uncertain significance. Last evaluated: 2019-04-04. Review status: criteria provided, single submitter. Criteria: GeneDx Variant Classification Process June 2021. Collection method: clinical testing. Allele origin: germline. Affected: yes.
Comment: Not observed at a significant frequency in large population cohorts (Lek et al., 2016); In silico analysis, which includes protein predictors and evolutionary conservation, supports that this variant does not alter protein structure/function; Has not been previously published as pathogenic or benign to our knowledge